The following is an entry in ClinVar:

ClinVar aggregate classification (germline): Uncertain significance (1 of 4 stars; one submission).

Allele frequency attached by ClinVar (database versions not stated): gnomAD exomes below 0.00001.
gnomAD v4.1: 2 of 1,211,678 alleles (0.00017%); highest among the groups gnomAD compares: Non-Finnish European, 0.00022%; no homozygotes.

Submission:

GeneDx
Classification: Uncertain significance. Last evaluated: 2022-03-02. Review status: criteria provided, single submitter. Criteria: GeneDx Variant Classification Process June 2021. Collection method: clinical testing. Allele origin: germline. Affected: yes.
Comment: Has not been previously published as pathogenic or benign to our knowledge; Not observed at significant frequency in large population cohorts (gnomAD); In silico analysis supports that this missense variant does not alter protein structure/function

NM_006521.6(TFE3):c.1354A>G (p.Thr452Ala)

Gene: TFE3 (transcription factor binding to IGHM enhancer 3; minus strand). Cytogenetic location: Xp11.23.
Variant type: single nucleotide variant.
Coding change: c.1354A>G on transcript NM_006521.6 (MANE Select); coding-DNA position 1354, A replaced by G.
Protein change: p.Thr452Ala; replaces threonine 452 with alanine.
Molecular consequence: missense variant.
Genome position (GRCh38, 1-based): chrX:49,030,532, T>C on the plus strand (A>G on the coding strand, the complement: TFE3 is on the minus strand). VCF-style: chrX-49030532-T-C. GRCh37 (hg19) VCF-style: chrX-48888043-T-C.
Other names: c.1039A>G, p.Thr347Ala (NM_001282142.2); short protein forms T347A, T452A.
Identifiers: ClinVar variation 1704039 (VCV001704039.2), dbSNP rs2520137773, ClinGen allele CA412903119.